The following is an entry in ClinVar:

NM_177438.3(DICER1):c.49A>C (p.Met17Leu)

Gene: DICER1 (dicer 1, ribonuclease III; minus strand). Cytogenetic location: 14q32.13.
Variant type: single nucleotide variant.
Coding change: c.49A>C on transcript NM_177438.3 (MANE Select); coding-DNA position 49, A replaced by C.
Protein change: p.Met17Leu; replaces methionine 17 with leucine.
Molecular consequence: missense variant.
Genome position (GRCh38, 1-based): chr14:95,133,410, T>G on the plus strand (A>C on the coding strand, the complement: DICER1 is on the minus strand). VCF-style: chr14-95133410-T-G. GRCh37 (hg19) VCF-style: chr14-95599747-T-G.
Other names: c.49A>C, p.Met17Leu (NM_001195573.1, NM_001271282.3, NM_001291628.2 and 1 more transcripts); short protein forms M17L.
Identifiers: ClinVar variation 543588 (VCV000543588.13), dbSNP rs1555376587, ClinGen allele CA390890684.
Genomic context (GRCh38, chr14:95,133,410, plus strand): 5'-TTGCTTCTTGTTGCCATGGCAGTCCAAAGAAAGGACCCATTGGTGAGGAAGCAGGGGTCA[T>G]GAGCTGCAGGCCTGCCATGCTGAGGGGTTGCAAAGCAGGGCTTTTCATTCATCCAGTGTT-3'
Protein context (NP_803187.1, residues 7-27): QPLSMAGLQL[Met17Leu]TPASSPMGPF

ClinVar aggregate classification (germline): Conflicting classifications of pathogenicity. Review status: criteria provided, conflicting classifications (1 of 4 stars). 2 submissions from 2 submitters: Uncertain significance (1); Likely benign (1). Last evaluated 2025-06-14.

Conditions:
DICER1-related tumor predisposition. Also called: DICER1-related pleuropulmonary blastoma cancer predisposition syndrome; DICER1 syndrome. Identifiers: Orphanet 284343, MedGen C3839822, MONDO:0100216.
Hereditary cancer-predisposing syndrome. Also called: Neoplastic Syndromes, Hereditary; Tumor predisposition; Hereditary Cancer Syndrome; Hereditary neoplastic syndrome. Identifiers: Orphanet 140162, MedGen C0027672, MeSH D009386, MONDO:0015356.

Submissions (2):

Ambry Genetics
Classification: Likely benign for Hereditary cancer-predisposing syndrome. Last evaluated: 2025-06-14. Review status: criteria provided, single submitter. Criteria: Ambry Variant Classification Scheme 2023. Collection method: clinical testing. Allele origin: germline.

Labcorp Genetics (formerly Invitae), Labcorp
Classification: Uncertain significance for DICER1-related tumor predisposition. Last evaluated: 2023-05-05. Review status: criteria provided, single submitter. Criteria: Invitae Variant Classification Sherloc (09022015). Collection method: clinical testing. Allele origin: germline.
Comment: In summary, the available evidence is currently insufficient to determine the role of this variant in disease. Therefore, it has been classified as a Variant of Uncertain Significance. An algorithm developed to predict the effect of missense changes on protein structure and function (PolyPhen-2) suggests that this variant is likely to be tolerated. ClinVar contains an entry for this variant (Variation ID: 543588). This variant has not been reported in the literature in individuals affected with DICER1-related conditions. This variant is not present in population databases (gnomAD no frequency). This sequence change replaces methionine, which is neutral and non-polar, with leucine, which is neutral and non-polar, at codon 17 of the DICER1 protein (p.Met17Leu).